The following is an entry in ClinVar:

ClinVar aggregate classification (germline): Uncertain significance (1 of 4 stars; one submission).

Conditions:
Spondyloepiphyseal dysplasia with congenital joint dislocations (SEDCJD). Also called: Chondrodysplasia with Congenital Joint Dislocations, CHST3-Related. Identifiers: Orphanet 263463, MedGen C1837657, MONDO:0007738, OMIM 143095.

Allele frequency attached by ClinVar (database versions not stated): gnomAD exomes below 0.00001; gnomAD 0.00001.
gnomAD v4.1: 2 of 1,549,550 alleles (0.00013%); highest among the groups gnomAD compares: Non-Finnish European, 0.00017%; no homozygotes.

Submission:

Labcorp Genetics (formerly Invitae), Labcorp
Classification: Uncertain significance for Spondyloepiphyseal dysplasia with congenital joint dislocations. Last evaluated: 2021-08-11. Review status: criteria provided, single submitter. Criteria: Invitae Variant Classification Sherloc (09022015). Collection method: clinical testing. Allele origin: germline.
Comment: In summary, the available evidence is currently insufficient to determine the role of this variant in disease. Therefore, it has been classified as a Variant of Uncertain Significance. Algorithms developed to predict the effect of missense changes on protein structure and function are either unavailable or do not agree on the potential impact of this missense change (SIFT: "Tolerated"; PolyPhen-2: "Possibly Damaging"; Align-GVGD: "Class C0"). This variant has not been reported in the literature in individuals affected with CHST3-related conditions. The frequency data for this variant in the population databases is considered unreliable, as metrics indicate insufficient coverage at this position in the ExAC database. This sequence change replaces alanine with serine at codon 308 of the CHST3 protein (p.Ala308Ser). The alanine residue is highly conserved and there is a moderate physicochemical difference between alanine and serine.

NM_004273.5(CHST3):c.922G>T (p.Ala308Ser)

Gene: CHST3 (carbohydrate sulfotransferase 3; plus strand). Cytogenetic location: 10q22.1.
Variant type: single nucleotide variant.
Coding change: c.922G>T on transcript NM_004273.5 (MANE Select); coding-DNA position 922, G replaced by T.
Protein change: p.Ala308Ser; replaces alanine 308 with serine.
Molecular consequence: missense variant.
Genome position (GRCh38, 1-based): chr10:72,007,953, G>T. VCF-style: chr10-72007953-G-T. GRCh37 (hg19) VCF-style: chr10-73767711-G-T.
Other names: short protein forms A308S.
Identifiers: ClinVar variation 1514985 (VCV001514985.6), dbSNP rs1840062598, ClinGen allele CA377148056.